The following is an entry in ClinVar:

NM_001040142.2(SCN2A):c.2079T>C (p.Asp693=)

Gene: SCN2A (sodium voltage-gated channel alpha subunit 2; plus strand). Cytogenetic location: 2q24.3.
Variant type: single nucleotide variant.
Coding change: c.2079T>C on transcript NM_001040142.2 (MANE Select); coding-DNA position 2079, T replaced by C.
Protein change: p.Asp693=; no amino-acid change (aspartic acid 693 retained).
Molecular consequence: synonymous variant.
Genome position (GRCh38, 1-based): chr2:165,326,914, T>C. VCF-style: chr2-165326914-T-C. GRCh37 (hg19) VCF-style: chr2-166183424-T-C.
Other names: c.2079T>C, p.Asp693= (NM_001040143.2, NM_001371246.1, NM_001371247.1 and 1 more transcripts).
Identifiers: ClinVar variation 510633 (VCV000510633.9), dbSNP rs1553573107, ClinGen allele CA429885287.

ClinVar aggregate classification (germline): Likely benign. Review status: criteria provided, multiple submitters, no conflicts (2 of 4 stars). 2 submissions from 2 submitters: Likely benign (2). Last evaluated 2022-05-25.

Conditions:
Seizures, benign familial infantile, 3 (BFIS3). Also called: Familial neonatal seizures; CONVULSIONS, BENIGN FAMILIAL INFANTILE, 3. Identifiers: Orphanet 140927, Orphanet 306, MedGen C1843140, MONDO:0011904, OMIM 607745.
Developmental and epileptic encephalopathy, 11 (DEE11). Also called: Early infantile epileptic encephalopathy 11. Identifiers: Orphanet 1934, MedGen C3150987, MONDO:0013388, OMIM 613721.

Allele frequency attached by ClinVar (database versions not stated): TOPMed 0.00001.

Submissions (2):

Labcorp Genetics (formerly Invitae), Labcorp
Classification: Likely benign for Seizures, benign familial infantile, 3; Developmental and epileptic encephalopathy, 11. Last evaluated: 2022-05-25. Review status: criteria provided, single submitter. Criteria: Invitae Variant Classification Sherloc (09022015). Collection method: clinical testing. Allele origin: germline.

GeneDx
Classification: Likely benign. Last evaluated: 2017-07-06. Review status: criteria provided, single submitter. Criteria: GeneDx Variant Classification (06012015). Collection method: clinical testing. Allele origin: germline. Affected: yes.
Comment: This variant is considered likely benign or benign based on one or more of the following criteria: it is a conservative change, it occurs at a poorly conserved position in the protein, it is predicted to be benign by multiple in silico algorithms, and/or has population frequency not consistent with disease.